The following is an entry in ClinVar:

ClinVar aggregate classification (germline): Uncertain significance (1 of 4 stars; one submission).

Conditions:
Inborn genetic diseases. Identifiers: MedGen C0950123, MeSH D030342.

Submissions (2):

Ambry Genetics
Classification: Uncertain significance for Inborn genetic diseases. Last evaluated: 2022-02-18. Review status: criteria provided, single submitter. Criteria: Ambry Variant Classification Scheme 2023. Collection method: clinical testing. Allele origin: germline.
Comment: The c.3168-1G>A intronic variant results from a G to A substitution one nucleotide before exon 20 (coding exon 17) of the WDFY3 gene. The resulting transcript is predicted to be in-frame and is not expected to trigger nonsense-mediated mRNA decay; however, direct evidence is unavailable. The exact functional effect of the altered amino acid sequence is unknown. This variant was not reported in population-based cohorts in the Genome Aggregation Database (gnomAD). This nucleotide position is highly conserved in available vertebrate species. In silico splice site analysis predicts that this alteration will weaken the native splice acceptor site and will result in the creation or strengthening of a novel splice acceptor site. Based on insufficient or conflicting evidence, the clinical significance of this alteration remains unclear.

Dr. Peter K. Rogan Lab, Western University
No classification provided (evidence only). Condition: Papillary renal cell carcinoma type 1. Review status: no classification provided. Collection method: in vitro. Allele origin: not applicable. Functional consequence: retained intron. Not counted in ClinVar's aggregate classification.

NM_014991.6(WDFY3):c.3168-1G>A

Gene: WDFY3 (WD repeat and FYVE domain containing 3; minus strand). Cytogenetic location: 4q21.23.
Variant type: single nucleotide variant.
Coding change: c.3168-1G>A on transcript NM_014991.6 (MANE Select); the canonical splice acceptor site of the intron before coding-DNA position 3168, G replaced by A.
Molecular consequence: splice acceptor variant.
Genome position (GRCh38, 1-based): chr4:84,794,980, C>T on the plus strand (G>A on the coding strand, the complement: WDFY3 is on the minus strand). VCF-style: chr4-84794980-C-T. GRCh37 (hg19) VCF-style: chr4-85716133-C-T.
Other names: NC_000004.11:g.85716133C>T.
Identifiers: ClinVar variation 2270013 (VCV002270013.3), dbSNP rs2533731599, ClinGen allele CA357560323.